The following is an entry in ClinVar:

NM_016562.4(TLR7):c.2726T>C (p.Leu909Ser)

Gene: TLR7 (toll like receptor 7; plus strand). Cytogenetic location: Xp22.2.
Variant type: single nucleotide variant.
Coding change: c.2726T>C on transcript NM_016562.4 (MANE Select); coding-DNA position 2726, T replaced by C.
Protein change: p.Leu909Ser; replaces leucine 909 with serine.
Molecular consequence: missense variant.
Genome position (GRCh38, 1-based): chrX:12,888,234, T>C. VCF-style: chrX-12888234-T-C. GRCh37 (hg19) VCF-style: chrX-12906353-T-C.
Other names: short protein forms L909S.
Identifiers: ClinVar variation 2292395 (VCV002292395.5), dbSNP rs899161308, ClinGen allele CA326797163.

ClinVar aggregate classification (germline): Uncertain significance. Review status: criteria provided, multiple submitters, no conflicts (2 of 4 stars). 2 submissions from 2 submitters: Uncertain significance (2). Last evaluated 2025-04-23.

Allele frequency attached by ClinVar (database versions not stated): TOPMed 0.00004; gnomAD 0.00004; gnomAD exomes 0.00005.
gnomAD v4.1: 55 of 1,209,935 alleles (0.0045%); highest among the groups gnomAD compares: Non-Finnish European, 0.0059%; no homozygotes.

Submissions (2):

Labcorp Genetics (formerly Invitae), Labcorp
Classification: Uncertain significance. Last evaluated: 2025-04-23. Review status: criteria provided, single submitter. Criteria: Invitae Variant Classification Sherloc (09022015). Collection method: clinical testing. Allele origin: germline.
Comment: This sequence change replaces leucine, which is neutral and non-polar, with serine, which is neutral and polar, at codon 909 of the TLR7 protein (p.Leu909Ser). This variant is present in population databases (no rsID available, gnomAD 0.003%). This variant has not been reported in the literature in individuals affected with TLR7-related conditions. ClinVar contains an entry for this variant (Variation ID: 2292395). An algorithm developed to predict the effect of missense changes on protein structure and function (PolyPhen-2) suggests that this variant is likely to be disruptive. Experimental studies have shown that this missense change affects TLR7 function (PMID: 34413140). In summary, the available evidence is currently insufficient to determine the role of this variant in disease. Therefore, it has been classified as a Variant of Uncertain Significance.

Ambry Genetics
Classification: Uncertain significance. Last evaluated: 2024-10-06. Review status: criteria provided, single submitter. Criteria: Ambry Variant Classification Scheme 2023. Collection method: clinical testing. Allele origin: germline.

Literature cited by the submitters: PubMed 34413140 (cited by Labcorp Genetics (formerly Invitae), Labcorp).